The following is an entry in ClinVar:

ClinVar aggregate classification (germline): Uncertain significance (1 of 4 stars; one submission).

Submission:

GeneDx
Classification: Uncertain significance. Last evaluated: 2025-06-05. Review status: criteria provided, single submitter. Criteria: GeneDx Variant Classification Process June 2021. Collection method: clinical testing. Allele origin: germline. Affected: yes.
Comment: Not observed at significant frequency in large population cohorts (gnomAD); In silico analysis supports that this missense variant has a deleterious effect on protein structure/function; Has not been previously published as pathogenic or benign to our knowledge

NM_004371.4(COPA):c.3317G>T (p.Arg1106Leu)

Gene: COPA (coat protein complex I subunit alpha; minus strand). Cytogenetic location: 1q23.2.
Variant type: single nucleotide variant.
Coding change: c.3317G>T on transcript NM_004371.4 (MANE Select); coding-DNA position 3317, G replaced by T.
Protein change: p.Arg1106Leu; replaces arginine 1106 with leucine.
Molecular consequence: missense variant.
Genome position (GRCh38, 1-based): chr1:160,291,438, C>A on the plus strand (G>T on the coding strand, the complement: COPA is on the minus strand). VCF-style: chr1-160291438-C-A. GRCh37 (hg19) VCF-style: chr1-160261228-C-A.
Other names: c.3344G>T, p.Arg1115Leu (NM_001098398.2); short protein forms R1106L, R1115L.
Identifiers: ClinVar variation 4538634 (VCV004538634.1).